The following is an entry in ClinVar:

NM_005235.3(ERBB4):c.3707C>T (p.Ala1236Val)

Gene: ERBB4 (erb-b2 receptor tyrosine kinase 4; minus strand). Cytogenetic location: 2q34.
Variant type: single nucleotide variant.
Coding change: c.3707C>T on transcript NM_005235.3 (MANE Select); coding-DNA position 3707, C replaced by T.
Protein change: p.Ala1236Val; replaces alanine 1236 with valine.
Molecular consequence: missense variant.
Genome position (GRCh38, 1-based): chr2:211,383,835, G>A on the plus strand (C>T on the coding strand, the complement: ERBB4 is on the minus strand). VCF-style: chr2-211383835-G-A. GRCh37 (hg19) VCF-style: chr2-212248560-G-A.
Other names: c.3659C>T, p.Ala1220Val (NM_001042599.2); short protein forms A1220V, A1236V.
Identifiers: ClinVar variation 2148211 (VCV002148211.4), dbSNP rs763559555, ClinGen allele CA2087378.

ClinVar aggregate classification (germline): Uncertain significance (1 of 4 stars; one submission).

Allele frequency attached by ClinVar (database versions not stated): ExAC 0.00001; gnomAD exomes 0.00001; gnomAD 0.00006; TOPMed 0.00008.
gnomAD v4.1: 20 of 1,614,020 alleles (0.0012%); highest among the groups gnomAD compares: African/African-American, 0.015%; no homozygotes.

Submission:

Labcorp Genetics (formerly Invitae), Labcorp
Classification: Uncertain significance. Last evaluated: 2025-03-01. Review status: criteria provided, single submitter. Criteria: Invitae Variant Classification Sherloc (09022015). Collection method: clinical testing. Allele origin: germline.
Comment: This sequence change replaces alanine, which is neutral and non-polar, with valine, which is neutral and non-polar, at codon 1236 of the ERBB4 protein (p.Ala1236Val). This variant is present in population databases (rs763559555, gnomAD 0.01%). This variant has not been reported in the literature in individuals affected with ERBB4-related conditions. ClinVar contains an entry for this variant (Variation ID: 2148211). An algorithm developed to predict the effect of missense changes on protein structure and function (PolyPhen-2) suggests that this variant is likely to be tolerated. In summary, the available evidence is currently insufficient to determine the role of this variant in disease. Therefore, it has been classified as a Variant of Uncertain Significance.